The following is an entry in ClinVar:

NM_003560.4(PLA2G6):c.1549G>T (p.Gly517Cys)

Gene: PLA2G6 (phospholipase A2 group VI; minus strand). Cytogenetic location: 22q13.1.
Variant type: single nucleotide variant.
Coding change: c.1549G>T on transcript NM_003560.4 (MANE Select); coding-DNA position 1549, G replaced by T.
Protein change: p.Gly517Cys; replaces glycine 517 with cysteine.
Molecular consequence: missense variant.
Genome position (GRCh38, 1-based): chr22:38,123,137, C>A on the plus strand (G>T on the coding strand, the complement: PLA2G6 is on the minus strand). VCF-style: chr22-38123137-C-A. GRCh37 (hg19) VCF-style: chr22-38519144-C-A.
Other names: NM_001004426.3:c.1387G>T; c.1387G>T, p.Gly463Cys (NM_001004426.3, NM_001199562.3, NM_001349865.2 and 1 more transcripts); c.1549G>T, p.Gly517Cys (NM_001349864.2); c.1015G>T, p.Gly339Cys (NM_001349867.2); c.871G>T, p.Gly291Cys (NM_001349868.2); c.853G>T, p.Gly285Cys (NM_001349869.2); short protein forms G285C, G339C, G463C, G517C, G291C.
Identifiers: ClinVar variation 2412646 (VCV002412646.1), dbSNP rs1289140545, ClinGen allele CA411527847.

ClinVar aggregate classification (germline): Uncertain significance (1 of 4 stars; one submission).

Conditions:
PLA2G6-associated neurodegeneration (PLAN). Also called: phospholipase A2-associated neurodegeneration. Identifiers: Orphanet 329303, MedGen CN204472, MONDO:0017998.

Allele frequency attached by ClinVar (database versions not stated): gnomAD exomes 0.00002.
gnomAD v4.1: 11 of 1,550,036 alleles (0.00071%); highest among the groups gnomAD compares: Non-Finnish European, 0.00087%; no homozygotes.

Submission:

Broad Center for Mendelian Genomics, Broad Institute of MIT and Harvard
Classification: Uncertain significance for PLA2G6-associated neurodegeneration. Last evaluated: 2023-01-24. Review status: criteria provided, single submitter. Criteria: ACMG Guidelines, 2015. Collection method: curation. Allele origin: germline. Inheritance: Autosomal recessive inheritance.
Comment: The p.Gly517Cys variant in PLA2G6 has been reported in 1 compound heterozygous individual with PLA2G6-associated neurodegeneration (PMID: 16783378) and has been identified in 0.002% (1/60952) of European (non-Finnish) chromosomes by the Genome Aggregation Database (gnomAD; dbSNP ID: rs1289140545). Although this variant has been seen in the general population in a heterozygous state, its frequency is low enough to be consistent with a recessive carrier frequency. In vitro functional studies provide some evidence that the p.Gly517Cys variant may slightly impact protein function (PMID: 20886109). However, these types of assays may not accurately represent biological function. Animal models in zebrafish have shown that this variant does not cause PLA2G6-associated neurodegeneration (PMID: 34520727). The functional evidence for this variant is conflicting, and may not accurately depict the pathogenicity of the variant. Computational prediction tools and conservation analyses suggest that this variant may impact the protein, though this information is not predictive enough to determine pathogenicity. In summary, the clinical significance of the p.Gly517Cys variant is uncertain. ACMG/AMP Criteria applied: PM2_supporting, PP3 (Richards 2015).